The following is an entry in ClinVar:

NM_000368.5(TSC1):c.1390G>A (p.Gly464Ser)

Gene: TSC1 (TSC complex subunit 1; minus strand). Cytogenetic location: 9q34.13.
Variant type: single nucleotide variant.
Coding change: c.1390G>A on transcript NM_000368.5 (MANE Select); coding-DNA position 1390, G replaced by A.
Protein change: p.Gly464Ser; replaces glycine 464 with serine.
Molecular consequence: missense variant. On other transcripts: non-coding transcript variant (5).
Genome position (GRCh38, 1-based): chr9:132,906,779, C>T on the plus strand (G>A on the coding strand, the complement: TSC1 is on the minus strand). VCF-style: chr9-132906779-C-T. GRCh37 (hg19) VCF-style: chr9-135782166-C-T.
Other names: c.1390G>A, p.Gly464Ser (NM_001406596.1, NM_001406601.1, NM_001406602.1 and 7 more transcripts); c.1387G>A, p.Gly463Ser (NM_001406597.1, NM_001406598.1, NM_001406599.1 and 6 more transcripts); c.1027G>A, p.Gly343Ser (NM_001406615.1, NM_001406616.1, NM_001406617.1 and 5 more transcripts); c.1024G>A, p.Gly342Ser (NM_001406620.1, NM_001406621.1, NM_001406622.1 and 2 more transcripts); c.1237G>A, p.Gly413Ser (NM_001162427.2, NM_001406610.1); c.1234G>A, p.Gly412Ser (NM_001406611.1, NM_001406612.1, NM_001406613.1); c.439G>A, p.Gly147Ser (NM_001406626.1); c.436G>A, p.Gly146Ser (NM_001406627.1, NM_001406628.1); and 1 more; short protein forms G113S, G147S, G464S, G342S, G412S, G413S, G463S, G146S.
Identifiers: ClinVar variation 3020732 (VCV003020732.4), dbSNP rs769529472, ClinGen allele CA375365943.
Genomic context (GRCh38, chr9:132,906,779, plus strand): 5'-CACATACATTACCTTCTTCTTTATCTTTTTCAATACTATCTTCTTCAGAGGCCAGATCAC[C>T]TAAAAACCCTGGAAGATCACTTAGAGTGACAGAACCTTTGCTGCCAGGTGGCTCTTCTGA-3'
Protein context (NP_000359.1, residues 454-474): VTLSDLPGFL[Gly464Ser]DLASEEDSIE

ClinVar aggregate classification (germline): Uncertain significance. Review status: criteria provided, multiple submitters, no conflicts (2 of 4 stars). 2 submissions from 2 submitters: Uncertain significance (2). Last evaluated 2026-02-09.

Conditions:
Tuberous sclerosis 1 (TSC1). Identifiers: Orphanet 805, MedGen C1854465, MONDO:0008612, OMIM 191100.
Hereditary cancer-predisposing syndrome. Also called: Neoplastic Syndromes, Hereditary; Tumor predisposition; Hereditary Cancer Syndrome; Hereditary neoplastic syndrome. Identifiers: Orphanet 140162, MedGen C0027672, MeSH D009386, MONDO:0015356.

Submissions (2):

Ambry Genetics
Classification: Uncertain significance for Hereditary cancer-predisposing syndrome. Last evaluated: 2026-02-09. Review status: criteria provided, single submitter. Criteria: Ambry Variant Classification Scheme 2023. Collection method: clinical testing. Allele origin: germline.
Comment: The p.G464S variant (also known as c.1390G>A), located in coding exon 12 of the TSC1 gene, results from a G to A substitution at nucleotide position 1390. The glycine at codon 464 is replaced by serine, an amino acid with similar properties. This amino acid position is highly conserved in available vertebrate species. In addition, the in silico prediction for this alteration is inconclusive. Based on the available evidence, the clinical significance of this variant remains unclear.

Labcorp Genetics (formerly Invitae), Labcorp
Classification: Uncertain significance for Tuberous sclerosis 1. Last evaluated: 2023-07-28. Review status: criteria provided, single submitter. Criteria: Invitae Variant Classification Sherloc (09022015). Collection method: clinical testing. Allele origin: germline.
Comment: Advanced modeling of protein sequence and biophysical properties (such as structural, functional, and spatial information, amino acid conservation, physicochemical variation, residue mobility, and thermodynamic stability) performed at Invitae indicates that this missense variant is not expected to disrupt TSC1 protein function. This variant has not been reported in the literature in individuals affected with TSC1-related conditions. This variant is not present in population databases (gnomAD no frequency). This sequence change replaces glycine, which is neutral and non-polar, with serine, which is neutral and polar, at codon 464 of the TSC1 protein (p.Gly464Ser). In summary, the available evidence is currently insufficient to determine the role of this variant in disease. Therefore, it has been classified as a Variant of Uncertain Significance.